The following is an entry in ClinVar:

ClinVar aggregate classification (germline): Benign (1 of 4 stars; one submission).

Allele frequency attached by ClinVar (database versions not stated): 1000 Genomes Project 0.13698; gnomAD 0.13772 and 0.14243; 1000 Genomes Project 30x 0.13835; TOPMed 0.14048.
gnomAD v4.1: 20,828 of 152,026 alleles (14%); highest among the groups gnomAD compares: African/African-American, 29%; 2,098 homozygotes.

Submission:

GeneDx
Classification: Benign. Last evaluated: 2018-06-18. Review status: criteria provided, single submitter. Criteria: GeneDx Variant Classification (06012015). Collection method: clinical testing. Allele origin: germline. Affected: yes.
Comment: This variant is considered likely benign or benign based on one or more of the following criteria: it is a conservative change, it occurs at a poorly conserved position in the protein, it is predicted to be benign by multiple in silico algorithms, and/or has population frequency not consistent with disease.

NM_001999.4(FBN2):c.254+274T>C

Gene: FBN2 (fibrillin 2; minus strand). Cytogenetic location: 5q23.3.
Variant type: single nucleotide variant.
Coding change: c.254+274T>C on transcript NM_001999.4 (MANE Select); 274 bases into the intron after coding-DNA position 254, T replaced by C.
Molecular consequence: intron variant.
Genome position (GRCh38, 1-based): chr5:128,537,076, A>G on the plus strand (T>C on the coding strand, the complement: FBN2 is on the minus strand). VCF-style: chr5-128537076-A-G. GRCh37 (hg19) VCF-style: chr5-127872769-A-G.
Identifiers: ClinVar variation 683520 (VCV000683520.1), dbSNP rs73348280, ClinGen allele CA12063154.